The following is an entry in ClinVar:

ClinVar aggregate classification (germline): Uncertain significance. Review status: criteria provided, multiple submitters, no conflicts (2 of 4 stars). 6 submissions from 6 submitters: Uncertain significance (5). 1 of the submissions does not count toward it. Last evaluated 2024-12-05.

Conditions:
Neurodevelopmental disorder with visual defects and brain anomalies. Identifiers: MedGen C5231404, MONDO:0032807, OMIM 618547.
HK1-related disorder. Also called: HK1-related condition; HK1-related disorders.

Submissions (6):

Wendy Chung Laboratory, Boston Children's Hospital
Classification: Uncertain significance for Neurodevelopmental disorder with visual defects and brain anomalies. Last evaluated: 2024-12-05. Review status: criteria provided, single submitter. Criteria: ACMG Guidelines, 2015. Collection method: clinical testing. Allele origin: de novo. Inheritance: Autosomal dominant inheritance. Affected: yes. Observed: 1 heterozygote.
Comment: The c.2401C>T variant has not previously been reported in the literature; it has been deposited in ClinVar as Variant of Uncertain Significance by multiple submitters with three submitters also provided affected status. The c.2401C>T variant is absent from population databases (gnomAD v4.1.0, TOPMed Freeze 10, All of Us). The c.2401C>T variant is located in exon 17 of this 18-exon gene and predicted to replace an evolutionarily conserved arginine amino acid with tryptophan at position 801 [p.(Arg801Trp)] within the hexokinase large subdomain 2 of the encoded protein. At least one in silico prediction tool is in support of damaging effect for the p.(Arg801Trp) variant; however, there are no functional studies to confirm or refute these predictions. Based on available evidence this apparently de novo heterozygous c.2401C>T:p.(Arg801Trp) variant identified in HK1 in this individual is classified as Variant of Uncertain Significance leaning Likely Pathogenic (PS2_Mod + PM2_Supp + PP3).

CeGaT Center for Human Genetics Tuebingen
Classification: Uncertain significance. Last evaluated: 2024-01-01. Review status: criteria provided, single submitter. Criteria: CeGaT Center For Human Genetics Tuebingen Variant Classification Criteria Version 2. Collection method: clinical testing. Allele origin: germline. Affected: yes. Observed: 1 variant allele.
Comment: HK1: PM2, PP3

GeneDx
Classification: Uncertain significance. Last evaluated: 2022-12-02. Review status: criteria provided, single submitter. Criteria: GeneDx Variant Classification Process June 2021. Collection method: clinical testing. Allele origin: germline. Affected: yes.
Comment: Not observed in large population cohorts (gnomAD); In silico analysis supports that this missense variant has a deleterious effect on protein structure/function; Has not been previously published as pathogenic or benign to our knowledge

Blueprint Genetics
Classification: Uncertain significance. Last evaluated: 2021-10-15. Review status: criteria provided, single submitter. Criteria: ACMG Guidelines, 2015. Collection method: clinical testing. Allele origin: germline.

Juno Genomics, Hangzhou Juno Genomics, Inc
Classification: Uncertain significance for Neurodevelopmental disorder with visual defects and brain anomalies. Review status: criteria provided, single submitter. Criteria: ACMG Guidelines, 2015. Collection method: clinical testing. Allele origin: germline. Affected: yes.
Comment: Absent from controls (or at extremely low frequency if recessive) in Genome Aggregation Database, Exome Sequencing Project, 1000 Genomes Project, or Exome Aggregation Consortium.;Missense variant in a gene that has a low rate of benign missense variation and where missense variants are a common mechanism of disease.;Multiple lines of computational evidence support a deleterious effect on the gene or gene product (conservation, evolutionary, splicing impact, etc).;Patient's phenotype or family history is highly specific for a disease with a single genetic etiology.

PreventionGenetics, part of Exact Sciences
Classification: Uncertain significance for HK1-related condition. Last evaluated: 2024-07-26. Review status: no assertion criteria provided. Collection method: clinical testing. Allele origin: germline. Not counted in ClinVar's aggregate classification.
Comment: The HK1 c.2401C>T variant is predicted to result in the amino acid substitution p.Arg801Trp. To our knowledge, this variant has not been reported in the literature or in a large population database, indicating this variant is rare. Although we suspect that this variant may be pathogenic, at this time, the clinical significance of this variant is uncertain due to the absence of conclusive functional and genetic evidence.

NM_000188.3(HK1):c.2401C>T (p.Arg801Trp)

Gene: HK1 (hexokinase 1; plus strand). Cytogenetic location: 10q22.1.
Variant type: single nucleotide variant.
Coding change: c.2401C>T on transcript NM_000188.3 (MANE Select); coding-DNA position 2401, C replaced by T.
Protein change: p.Arg801Trp; replaces arginine 801 with tryptophan.
Molecular consequence: missense variant.
Genome position (GRCh38, 1-based): chr10:69,398,620, C>T. VCF-style: chr10-69398620-C-T. GRCh37 (hg19) VCF-style: chr10-71158376-C-T.
Other names: c.2413C>T, p.Arg805Trp (NM_001322364.2, NM_001358263.1, NM_033497.3 and 1 more transcripts); c.2506C>T, p.Arg836Trp (NM_001322365.2); c.2317C>T, p.Arg773Trp (NM_001322366.1); c.2305C>T, p.Arg769Trp (NM_001322367.1); c.2398C>T, p.Arg800Trp (NM_033496.3); c.2365C>T, p.Arg789Trp (NM_033500.2); short protein forms R769W, R773W, R789W, R800W, R801W, R805W, R836W.
Identifiers: ClinVar variation 1802081 (VCV001802081.27), dbSNP rs1038053925, ClinGen allele CA376916518.